The following is an entry in ClinVar:

ClinVar aggregate classification (germline): Uncertain significance (1 of 4 stars; one submission).

Allele frequency attached by ClinVar (database versions not stated): gnomAD exomes below 0.00001; ExAC 0.00001; gnomAD 0.00001.
gnomAD v4.1: 3 of 1,612,952 alleles (0.00019%); highest among the groups gnomAD compares: Admixed American, 0.005%; no homozygotes.

Submission:

Labcorp Genetics (formerly Invitae), Labcorp
Classification: Uncertain significance. Last evaluated: 2022-10-24. Review status: criteria provided, single submitter. Criteria: Invitae Variant Classification Sherloc (09022015). Collection method: clinical testing. Allele origin: germline.
Comment: This sequence change replaces aspartic acid, which is acidic and polar, with histidine, which is basic and polar, at codon 1200 of the COL27A1 protein (p.Asp1200His). The frequency data for this variant in the population databases is considered unreliable, as metrics indicate poor data quality at this position in the gnomAD database. This variant has not been reported in the literature in individuals affected with COL27A1-related conditions. Advanced modeling of protein sequence and biophysical properties (such as structural, functional, and spatial information, amino acid conservation, physicochemical variation, residue mobility, and thermodynamic stability) performed at Invitae indicates that this missense variant is not expected to disrupt COL27A1 protein function. In summary, the available evidence is currently insufficient to determine the role of this variant in disease. Therefore, it has been classified as a Variant of Uncertain Significance.

NM_032888.4(COL27A1):c.3598G>C (p.Asp1200His)

Gene: COL27A1 (collagen type XXVII alpha 1 chain; plus strand). Cytogenetic location: 9q32.
Variant type: single nucleotide variant.
Coding change: c.3598G>C on transcript NM_032888.4 (MANE Select); coding-DNA position 3598, G replaced by C.
Protein change: p.Asp1200His; replaces aspartic acid 1200 with histidine.
Molecular consequence: missense variant.
Genome position (GRCh38, 1-based): chr9:114,270,770, G>C. VCF-style: chr9-114270770-G-C. GRCh37 (hg19) VCF-style: chr9-117033050-G-C.
Other names: short protein forms D1200H.
Identifiers: ClinVar variation 1898906 (VCV001898906.2), dbSNP rs770551254, ClinGen allele CA5202546.